The following is an entry in ClinVar:

NM_000260.4(MYO7A):c.6640G>A (p.Gly2214Ser)

Gene: MYO7A (myosin VIIA; plus strand). Cytogenetic location: 11q13.5.
Variant type: single nucleotide variant.
Coding change: c.6640G>A on transcript NM_000260.4 (MANE Select); coding-DNA position 6640, G replaced by A.
Protein change: p.Gly2214Ser; replaces glycine 2214 with serine.
Molecular consequence: missense variant.
Genome position (GRCh38, 1-based): chr11:77,214,688, G>A. VCF-style: chr11-77214688-G-A. GRCh37 (hg19) VCF-style: chr11-76925733-G-A.
Other names: c.6520G>A, p.Gly2174Ser (NM_001127180.2); c.6493G>A, p.Gly2165Ser (NM_001369365.1); short protein forms G2214S, G2165S, G2174S.
Identifiers: ClinVar variation 43338 (VCV000043338.28), dbSNP rs111033231, ClinGen allele CA132445.

ClinVar aggregate classification (germline): Benign/Likely benign. Review status: criteria provided, multiple submitters, no conflicts (2 of 4 stars). 14 submissions from 12 submitters: Benign (9); Likely benign (4). 1 of the submissions does not count toward it. Last evaluated 2026-02-04.

Conditions:
Meniere disease. Also called: Ménière's disease. Identifiers: MedGen C0025281, MONDO:0007972, OMIM 156000.
Usher syndrome type 1 (USH1). Also called: RETINITIS PIGMENTOSA AND CONGENITAL DEAFNESS. Identifiers: Orphanet 231169, Orphanet 886, MedGen C1568247, MONDO:0010168, OMIM 276900.
Usher syndrome type 1B (USH1B). Also called: Usher syndrome type IB. Identifiers: MedGen C1848638, MONDO:0700087.
Autosomal recessive nonsyndromic hearing loss 2. Also called: DEAFNESS, AUTOSOMAL RECESSIVE 2; NEUROSENSORY NONSYNDROMIC RECESSIVE DEAFNESS 2. Identifiers: Orphanet 90636, MedGen C1838701, MONDO:0010807, OMIM 600060.
Autosomal dominant nonsyndromic hearing loss 11. Identifiers: Orphanet 90635, MedGen C1832475, MONDO:0011032, OMIM 601317.

Allele frequency attached by ClinVar (database versions not stated): gnomAD exomes 0.00190 and 0.00428; ExAC 0.00885; 1000 Genomes Project 0.01697; 1000 Genomes Project 30x 0.01718; gnomAD 0.01764 and 0.01911; ESP Exome Variant Server 0.01804; TOPMed 0.01994.
gnomAD v4.1: 5,567 of 1,573,326 alleles (0.35%); highest among the groups gnomAD compares: African/African-American, 6.4%; 167 homozygotes.

Submissions (14):

Labcorp Genetics (formerly Invitae), Labcorp
Classification: Benign. Last evaluated: 2026-02-04. Review status: criteria provided, single submitter. Criteria: Invitae Variant Classification Sherloc (09022015). Collection method: clinical testing. Allele origin: germline.

Meniere Disease Neuroscience Research Program, Faculty of Medicine and Health, Kolling Institute, The University of Sydney
Classification: Benign for Meniere disease. Last evaluated: 2025-05-25. Review status: criteria provided, single submitter. Criteria: ClinGen HL ACMG Specifications v1. Collection method: research. Allele origin: germline. Affected: yes.
Comment: This variant has an amino acid change at p.Gly2214Ser.

Blueprint Genetics
Classification: Likely benign. Last evaluated: 2024-11-06. Review status: criteria provided, single submitter. Criteria: ACMG Guidelines, 2015. Collection method: clinical testing. Allele origin: germline.

Mayo Clinic Laboratories, Mayo Clinic
Classification: Benign. Last evaluated: 2022-04-17. Review status: criteria provided, single submitter. Criteria: ACMG Guidelines, 2015. Collection method: clinical testing. Allele origin: germline. Observed: 3 variant alleles.

Otology & Neurotology- Genomics of vestibular disorders (CTS-495), Jose Antonio López Escámez, Centro Pfizer - Universidad de Granada - Junta de Andalucía de Genómica e Investigación Oncológica (GENYO)
Classification: Likely benign for Meniere disease. Last evaluated: 2020-12-14. Review status: criteria provided, single submitter. Criteria: ACMG Guidelines, 2015. Collection method: case-control. Allele origin: germline. Affected: yes. Observed: 8 heterozygotes. Clinical features observed: Sensorineural hearing loss (HP:0000407), Vertigo (HP:0002321), Tinnitus (HP:0000360).

Athena Diagnostics
Classification: Benign. Last evaluated: 2019-10-28. Review status: criteria provided, single submitter. Criteria: Athena Diagnostics Criteria. Collection method: clinical testing. Allele origin: unknown.

Illumina Laboratory Services, Illumina
Classification: Likely benign for Autosomal recessive nonsyndromic hearing loss 2. Last evaluated: 2018-01-12. Review status: criteria provided, single submitter. Criteria: ICSL Variant Classification Criteria 13 December 2019. Collection method: clinical testing. Allele origin: germline.
Comment: This variant was observed in the ICSL laboratory as part of a predisposition screen in an ostensibly healthy population. It had not been previously curated by ICSL or reported in the Human Gene Mutation Database (HGMD: prior to June 1st, 2018), and was therefore a candidate for classification through an automated scoring system. Utilizing variant allele frequency, disease prevalence and penetrance estimates, and inheritance mode, an automated score was calculated to assess if this variant is too frequent to cause the disease. Based on the score and internal cut-off values, a variant classified as likely benign is not then subjected to further curation. The score for this variant resulted in a classification of likely benign for this disease.

Illumina Laboratory Services, Illumina
Classification: Benign for Autosomal dominant nonsyndromic hearing loss 11. Last evaluated: 2018-01-12. Review status: criteria provided, single submitter. Criteria: ICSL Variant Classification Criteria 13 December 2019. Collection method: clinical testing. Allele origin: germline.
Comment: This variant was observed in the ICSL laboratory as part of a predisposition screen in an ostensibly healthy population. It had not been previously curated by ICSL or reported in the Human Gene Mutation Database (HGMD: prior to June 1st, 2018), and was therefore a candidate for classification through an automated scoring system. Utilizing variant allele frequency, disease prevalence and penetrance estimates, and inheritance mode, an automated score was calculated to assess if this variant is too frequent to cause the disease. Based on the score and internal cut-off values, a variant classified as benign is not then subjected to further curation. The score for this variant resulted in a classification of benign for this disease.

Illumina Laboratory Services, Illumina
Classification: Benign for Usher syndrome type 1. Last evaluated: 2018-01-12. Review status: criteria provided, single submitter. Criteria: ICSL Variant Classification Criteria 13 December 2019. Collection method: clinical testing. Allele origin: germline.
Comment: the same text as in the submission from Illumina Laboratory Services, Illumina above.

GeneDx
Classification: Benign. Last evaluated: 2017-10-23. Review status: criteria provided, single submitter. Criteria: GeneDx Variant Classification (06012015). Collection method: clinical testing. Allele origin: germline. Affected: yes.
Comment: This variant is considered likely benign or benign based on one or more of the following criteria: it is a conservative change, it occurs at a poorly conserved position in the protein, it is predicted to be benign by multiple in silico algorithms, and/or has population frequency not consistent with disease.

Center for Pediatric Genomic Medicine, Children's Mercy Hospital and Clinics
Classification: Benign. Last evaluated: 2015-08-26. Review status: criteria provided, single submitter. Criteria: ACMG Guidelines, 2015. Collection method: clinical testing. Allele origin: germline.

Laboratory for Molecular Medicine, Mass General Brigham Personalized Medicine
Classification: Benign. Last evaluated: 2011-01-10. Review status: criteria provided, single submitter. Criteria: LMM Criteria. Collection method: clinical testing. Allele origin: germline. Observed: 31 variant alleles.
Comment: Gly2214Ser in exon 49 of MYO7A: This variant is not expected to have clinical si gnificance because this amino acid is not conserved in other species. This amino acid is a serine in elephant, platypus, chicken, lizard, frog, and stickleback. In addition, this variant has also been identified by our laboratory in ~20% of Black probands.

Breakthrough Genomics
Classification: Likely benign. Review status: criteria provided, single submitter. Criteria: ACMG Guidelines, 2015. Collection method: not provided. Allele origin: germline. Inheritance: Autosomal recessive inheritance. Affected: yes.

Natera, Inc.
Classification: Benign for Usher syndrome type 1B. Last evaluated: 2020-09-16. Review status: no assertion criteria provided. Collection method: clinical testing. Allele origin: germline. Not counted in ClinVar's aggregate classification.